The following is an entry in ClinVar:

NM_025219.3(DNAJC5):c.229G>A (p.Asp77Asn)

Gene: DNAJC5 (DnaJ heat shock protein family (Hsp40) member C5; plus strand). Cytogenetic location: 20q13.33.
Variant type: single nucleotide variant.
Coding change: c.229G>A on transcript NM_025219.3 (MANE Select); coding-DNA position 229, G replaced by A.
Protein change: p.Asp77Asn; replaces aspartic acid 77 with asparagine.
Molecular consequence: missense variant.
Genome position (GRCh38, 1-based): chr20:63,929,433, G>A. VCF-style: chr20-63929433-G-A. GRCh37 (hg19) VCF-style: chr20-62560786-G-A.
Other names: short protein forms D77N.
Identifiers: ClinVar variation 1383446 (VCV001383446.6), dbSNP rs762638579, ClinGen allele CA9969675.

ClinVar aggregate classification (germline): Uncertain significance (1 of 4 stars; one submission).

Conditions:
Neuronal ceroid lipofuscinosis. Also called: Neuronal Ceroid Lipofuscinoses. Identifiers: Orphanet 216, Orphanet 79263, MedGen C0027877, MONDO:0016295. Disease mechanism: loss of function.

Allele frequency attached by ClinVar (database versions not stated): ExAC 0.00002; gnomAD exomes 0.00002.
gnomAD v4.1: 13 of 1,614,088 alleles (0.00081%); highest among the groups gnomAD compares: Admixed American, 0.0067%; no homozygotes.

Submission:

Labcorp Genetics (formerly Invitae), Labcorp
Classification: Uncertain significance for Neuronal ceroid lipofuscinosis. Last evaluated: 2025-03-18. Review status: criteria provided, single submitter. Criteria: Invitae Variant Classification Sherloc (09022015). Collection method: clinical testing. Allele origin: germline.
Comment: This sequence change replaces aspartic acid, which is acidic and polar, with asparagine, which is neutral and polar, at codon 77 of the DNAJC5 protein (p.Asp77Asn). This variant is present in population databases (rs762638579, gnomAD 0.01%). This variant has not been reported in the literature in individuals affected with DNAJC5-related conditions. ClinVar contains an entry for this variant (Variation ID: 1383446). An algorithm developed to predict the effect of missense changes on protein structure and function (PolyPhen-2) suggests that this variant is likely to be disruptive. In summary, the available evidence is currently insufficient to determine the role of this variant in disease. Therefore, it has been classified as a Variant of Uncertain Significance.